The following is an entry in ClinVar:

ClinVar aggregate classification (germline): Pathogenic (1 of 4 stars; one submission).

Submission:

Labcorp Genetics (formerly Invitae), Labcorp
Classification: Pathogenic. Last evaluated: 2021-09-05. Review status: criteria provided, single submitter. Criteria: Invitae Variant Classification Sherloc (09022015). Collection method: clinical testing. Allele origin: germline.
Comment: This sequence change creates a premature translational stop signal (p.Tyr1917*) in the USH2A gene. It is expected to result in an absent or disrupted protein product. This variant is not present in population databases (ExAC no frequency). This variant has not been reported in the literature in individuals with USH2A-related conditions. Loss-of-function variants in USH2A are known to be pathogenic (PMID: 10729113, 10909849, 20507924, 25649381). For these reasons, this variant has been classified as Pathogenic.

Literature cited by the submitters: PubMed 10729113; PubMed 10909849; PubMed 20507924; PubMed 25649381.

NM_206933.4(USH2A):c.5751C>A (p.Tyr1917Ter)

Genes: USH2A (usherin; minus strand), USH2A-AS2 (USH2A antisense RNA 2; plus strand). Cytogenetic location: 1q41.
Variant type: single nucleotide variant.
Coding change: c.5751C>A on transcript NM_206933.4 (MANE Select); coding-DNA position 5751, C replaced by A.
Protein change: p.Tyr1917Ter; replaces tyrosine 1917 with a stop codon.
Molecular consequence: nonsense.
Genome position (GRCh38, 1-based): chr1:216,073,122, G>T on the plus strand (C>A on the coding strand, the complement: USH2A is on the minus strand). VCF-style: chr1-216073122-G-T. GRCh37 (hg19) VCF-style: chr1-216246464-G-T.
Other names: short protein forms Y1917*.
Identifiers: ClinVar variation 957334 (VCV000957334.7), dbSNP rs145742052, ClinGen allele CA344854057.